The following is an entry in ClinVar:

NM_000466.3(PEX1):c.2926+8T>C

Genes: GATAD1 (GATA zinc finger domain containing 1; plus strand), PEX1 (peroxisomal biogenesis factor 1; minus strand). Cytogenetic location: 7q21.2.
Variant type: single nucleotide variant.
Coding change: c.2926+8T>C on transcript NM_000466.3 (MANE Select); 8 bases into the intron after coding-DNA position 2926, T replaced by C.
Molecular consequence: intron variant.
Genome position (GRCh38, 1-based): chr7:92,494,479, A>G on the plus strand (T>C on the coding strand, the complement: PEX1 is on the minus strand). VCF-style: chr7-92494479-A-G. GRCh37 (hg19) VCF-style: chr7-92123793-A-G.
Other names: c.2755+8T>C (NM_001282677.2); c.2302+8T>C (NM_001282678.2).
Identifiers: ClinVar variation 291261 (VCV000291261.25), dbSNP rs369877998, ClinGen allele CA4340977.

ClinVar aggregate classification (germline): Conflicting classifications of pathogenicity. Review status: criteria provided, conflicting classifications (1 of 4 stars). 7 submissions from 7 submitters: Uncertain significance (2); Likely benign (2). 3 of the submissions do not count toward it. Last evaluated 2026-01-28.

Conditions:
PEX1-related disorder. Also called: PEX1-related condition.
Zellweger spectrum disorders (ZS). Also called: Zellweger Spectrum Disorder; Zellweger Spectrum; Zellweger syndrome; Zellweger Spectrum Disorder (ZSD). Identifiers: Orphanet 912, MedGen C0043459, MONDO:0019609.
Peroxisome biogenesis disorder 1A (Zellweger) (PBD1A). Also called: Zellweger leukodystrophy; Peroxisome biogenesis disorder 1a. Identifiers: MedGen C4721541, MONDO:0008953, OMIM 214100.

Allele frequency attached by ClinVar (database versions not stated): gnomAD exomes 0.00006 and 0.00018; ExAC 0.00018; ESP Exome Variant Server 0.00038; TOPMed 0.00083; gnomAD 0.00084 and 0.00093.
gnomAD v4.1: 223 of 1,613,250 alleles (0.014%); highest among the groups gnomAD compares: African/African-American, 0.27%; no homozygotes.

Submissions (7):

Labcorp Genetics (formerly Invitae), Labcorp
Classification: Likely benign for Zellweger spectrum disorders. Last evaluated: 2026-01-28. Review status: criteria provided, single submitter. Criteria: Invitae Variant Classification Sherloc (09022015). Collection method: clinical testing. Allele origin: germline.

Blueprint Genetics
Classification: Likely benign. Last evaluated: 2023-08-21. Review status: criteria provided, single submitter. Criteria: ACMG Guidelines, 2015. Collection method: clinical testing. Allele origin: germline.

Illumina Laboratory Services, Illumina
Classification: Uncertain significance for Peroxisome biogenesis disorder 1A (Zellweger). Last evaluated: 2018-01-13. Review status: criteria provided, single submitter. Criteria: ICSL Variant Classification Criteria 13 December 2019. Collection method: clinical testing. Allele origin: germline.

Eurofins Ntd Llc (ga)
Classification: Uncertain significance. Last evaluated: 2017-05-31. Review status: criteria provided, single submitter. Criteria: EGL Classification Definitions 2015. Collection method: clinical testing. Allele origin: germline. Observed: 2 variant alleles, 2 heterozygotes.

PreventionGenetics, part of Exact Sciences
Classification: Likely benign for PEX1-related condition. Last evaluated: 2020-01-23. Review status: no assertion criteria provided. Collection method: clinical testing. Allele origin: germline. Not counted in ClinVar's aggregate classification.
Comment: This variant is classified as likely benign based on ACMG/AMP sequence variant interpretation guidelines (Richards et al. 2015 PMID: 25741868, with internal and published modifications).

Clinical Genetics DNA and cytogenetics Diagnostics Lab, Erasmus MC, Erasmus Medical Center
Classification: Likely benign. Review status: no assertion criteria provided. Collection method: clinical testing. Allele origin: germline. Affected: yes. Study: VKGL Data-share Consensus. Not counted in ClinVar's aggregate classification.

Clinical Genetics, Academic Medical Center
Classification: Benign. Review status: no assertion criteria provided. Collection method: clinical testing. Allele origin: germline. Affected: yes. Study: VKGL Data-share Consensus. Not counted in ClinVar's aggregate classification.